The following is an entry in ClinVar:

ClinVar aggregate classification (germline): Likely benign (1 of 4 stars; one submission).

gnomAD v4.1: 10 of 1,614,096 alleles (0.00062%); highest among the groups gnomAD compares: South Asian, 0.011%; no homozygotes.

Submission:

CeGaT Center for Human Genetics Tuebingen
Classification: Likely benign. Last evaluated: 2025-11-01. Review status: criteria provided, single submitter. Criteria: CeGaT Center For Human Genetics Tuebingen Variant Classification Criteria Version 2. Collection method: clinical testing. Allele origin: germline. Affected: yes. Observed: 1 variant allele.
Comment: ZEB2: BP4

NM_014795.4(ZEB2):c.3477G>A (p.Glu1159=)

Gene: ZEB2 (zinc finger E-box binding homeobox 2; minus strand). Cytogenetic location: 2q22.3.
Variant type: single nucleotide variant.
Coding change: c.3477G>A on transcript NM_014795.4 (MANE Select); coding-DNA position 3477, G replaced by A.
Protein change: p.Glu1159=; no amino-acid change (glutamic acid 1159 retained).
Molecular consequence: synonymous variant.
Genome position (GRCh38, 1-based): chr2:144,389,619, C>T on the plus strand (G>A on the coding strand, the complement: ZEB2 is on the minus strand). VCF-style: chr2-144389619-C-T. GRCh37 (hg19) VCF-style: chr2-145147186-C-T.
Other names: c.3405G>A, p.Glu1135= (NM_001171653.2).
Identifiers: ClinVar variation 4535371 (VCV004535371.6).